The following is an entry in ClinVar:

ClinVar aggregate classification (germline): Benign (1 of 4 stars; one submission).

Allele frequency attached by ClinVar (database versions not stated): 1000 Genomes Project 0.06330; TOPMed 0.07117; 1000 Genomes Project 30x 0.06168; gnomAD 0.07274 and 0.07349.
gnomAD v4.1: 11,235 of 151,846 alleles (7.4%); highest among the groups gnomAD compares: Admixed American, 12%; 560 homozygotes.

Submission:

GeneDx
Classification: Benign. Last evaluated: 2018-06-14. Review status: criteria provided, single submitter. Criteria: GeneDx Variant Classification (06012015). Collection method: clinical testing. Allele origin: germline. Affected: yes.
Comment: This variant is considered likely benign or benign based on one or more of the following criteria: it is a conservative change, it occurs at a poorly conserved position in the protein, it is predicted to be benign by multiple in silico algorithms, and/or has population frequency not consistent with disease.

NM_201596.3(CACNB2):c.-259C>A

Gene: CACNB2 (calcium voltage-gated channel auxiliary subunit beta 2; plus strand). Cytogenetic location: 10p12.33.
Variant type: single nucleotide variant.
Coding change: c.-259C>A on transcript NM_201596.3 (MANE Select); 259 bases upstream of the start codon, C replaced by A.
Molecular consequence: 5 prime UTR variant.
Genome position (GRCh38, 1-based): chr10:18,140,478, C>A. VCF-style: chr10-18140478-C-A. GRCh37 (hg19) VCF-style: chr10-18429407-C-A.
Other names: c.-702C>A (NM_001167945.2, NM_201571.4, NM_201572.4); c.-259C>A (NM_201593.3, NM_201597.3).
Identifiers: ClinVar variation 674367 (VCV000674367.3), dbSNP rs12764271, ClinGen allele CA13216231.
Genomic context (GRCh38, chr10:18,140,478, plus strand): 5'-ATCCCCGCCGCGCTGCGCCCGCTCTCCCGGCCCCGGCTGCCCCGCTGAGGGCTCCCCTCT[C>A]CCAGGCACCGCAGCCGCGCCCCCGCGTCCCGCCTCCCGAGCGGCTCGCTTCGCCCGATGC-3'